The following is an entry in ClinVar:

NM_033118.4(MYLK2):c.1687T>C (p.Tyr563His)

Gene: MYLK2 (myosin light chain kinase 2; plus strand). Cytogenetic location: 20q11.21.
Variant type: single nucleotide variant.
Coding change: c.1687T>C on transcript NM_033118.4 (MANE Select); coding-DNA position 1687, T replaced by C.
Protein change: p.Tyr563His; replaces tyrosine 563 with histidine.
Molecular consequence: missense variant.
Genome position (GRCh38, 1-based): chr20:31,832,113, T>C. VCF-style: chr20-31832113-T-C. GRCh37 (hg19) VCF-style: chr20-30419916-T-C.
Other names: short protein forms Y563H.
Identifiers: ClinVar variation 3646564 (VCV003646564.2).

ClinVar aggregate classification (germline): Uncertain significance (1 of 4 stars; one submission).

Conditions:
Hypertrophic cardiomyopathy 1 (CMH1). Also called: MYH7-Related Familial Hypertrophic Cardiomyopathy; Familial hypertrophic cardiomyopathy 1. Identifiers: MedGen C3495498, MONDO:0008647, OMIM 192600.

Submission:

Labcorp Genetics (formerly Invitae), Labcorp
Classification: Uncertain significance for Hypertrophic cardiomyopathy 1. Last evaluated: 2024-03-18. Review status: criteria provided, single submitter. Criteria: Invitae Variant Classification Sherloc (09022015). Collection method: clinical testing. Allele origin: germline.
Comment: This sequence change replaces tyrosine, which is neutral and polar, with histidine, which is basic and polar, at codon 563 of the MYLK2 protein (p.Tyr563His). The frequency data for this variant in the population databases is considered unreliable, as metrics indicate poor data quality at this position in the gnomAD database. This variant has not been reported in the literature in individuals affected with MYLK2-related conditions. An algorithm developed to predict the effect of missense changes on protein structure and function (PolyPhen-2) suggests that this variant is likely to be disruptive. In summary, the available evidence is currently insufficient to determine the role of this variant in disease. Therefore, it has been classified as a Variant of Uncertain Significance.